The following is an entry in ClinVar:

ClinVar aggregate classification (germline): Likely pathogenic (1 of 4 stars; one submission).

Submission:

ARUP Laboratories, Molecular Genetics and Genomics, ARUP Laboratories
Classification: Likely pathogenic. Last evaluated: 2024-08-23. Review status: criteria provided, single submitter. Criteria: ARUP Molecular Germline Variant Investigation Process 2024. Collection method: clinical testing. Allele origin: germline.
Comment: The SPTA1 c.1113-2A>G variant, to our knowledge, is not reported in the medical literature or gene specific databases. This variant is also absent from the Genome Aggregation Database (v2.1.1), indicating it is not a common polymorphism. This variant disrupts the canonical splice acceptor site of intron 8, which is likely to negatively impact gene function. Based on available information, this variant is considered to be likely pathogenic.

NM_003126.4(SPTA1):c.1113-2A>G

Gene: SPTA1 (spectrin alpha, erythrocytic 1; minus strand). Cytogenetic location: 1q23.1.
Variant type: single nucleotide variant.
Coding change: c.1113-2A>G on transcript NM_003126.4 (MANE Select); the canonical splice acceptor site of the intron before coding-DNA position 1113, A replaced by G.
Molecular consequence: splice acceptor variant.
Genome position (GRCh38, 1-based): chr1:158,674,677, T>C on the plus strand (A>G on the coding strand, the complement: SPTA1 is on the minus strand). VCF-style: chr1-158674677-T-C. GRCh37 (hg19) VCF-style: chr1-158644467-T-C.
Identifiers: ClinVar variation 3766795 (VCV003766795.1).